The following is an entry in ClinVar:

ClinVar aggregate classification (germline): Uncertain significance (1 of 4 stars; one submission).

Conditions:
Familial adenomatous polyposis 1 (FAP1). Also called: FAMILIAL ADENOMATOUS POLYPOSIS 1, ATTENUATED; POLYPOSIS, ADENOMATOUS INTESTINAL. Identifiers: MedGen C2713442, MONDO:0021056, OMIM 175100. Disease mechanism: loss of function.

Submission:

Labcorp Genetics (formerly Invitae), Labcorp
Classification: Uncertain significance for Familial adenomatous polyposis 1. Last evaluated: 2021-03-17. Review status: criteria provided, single submitter. Criteria: Invitae Variant Classification Sherloc (09022015). Collection method: clinical testing. Allele origin: germline.
Comment: Algorithms developed to predict the effect of missense changes on protein structure and function are either unavailable or do not agree on the potential impact of this missense change (SIFT: "Deleterious"; PolyPhen-2: "Probably Damaging"; Align-GVGD: "Class C15"). In summary, the available evidence is currently insufficient to determine the role of this variant in disease. Therefore, it has been classified as a Variant of Uncertain Significance. This variant has not been reported in the literature in individuals with APC-related conditions. This variant is not present in population databases (ExAC no frequency). This sequence change replaces aspartic acid with valine at codon 2796 of the APC protein (p.Asp2796Val). The aspartic acid residue is highly conserved and there is a large physicochemical difference between aspartic acid and valine.

NM_000038.6(APC):c.8387A>T (p.Asp2796Val)

Gene: APC (APC regulator of Wnt signaling pathway; plus strand). Cytogenetic location: 5q22.2.
Variant type: single nucleotide variant.
Coding change: c.8387A>T on transcript NM_000038.6 (MANE Select); coding-DNA position 8387, A replaced by T.
Protein change: p.Asp2796Val; replaces aspartic acid 2796 with valine.
Molecular consequence: missense variant.
Genome position (GRCh38, 1-based): chr5:112,843,981, A>T. VCF-style: chr5-112843981-A-T. GRCh37 (hg19) VCF-style: chr5-112179678-A-T.
Other names: c.8312A>T, p.Asp2771Val (NM_001354898.2); c.8303A>T, p.Asp2768Val (NM_001354899.2); c.8264A>T, p.Asp2755Val (NM_001354900.2); c.8210A>T, p.Asp2737Val (NM_001354901.2); c.8114A>T, p.Asp2705Val (NM_001354902.2); c.8084A>T, p.Asp2695Val (NM_001354903.2); c.8009A>T, p.Asp2670Val (NM_001354904.2); c.7907A>T, p.Asp2636Val (NM_001354905.2); and 5 more; short protein forms D2513V, D2737V, D2705V, D2796V, D2814V, D2771V, D2636V, D2670V.
Identifiers: ClinVar variation 1517238 (VCV001517238.8), dbSNP rs773103933, ClinGen allele CA16039536.